The following is an entry in ClinVar:

NM_000533.5(PLP1):c.710T>C (p.Phe237Ser)

Genes: RAB9B (RAB9B, member RAS oncogene family; minus strand), PLP1 (proteolipid protein 1; plus strand). Cytogenetic location: Xq22.2.
Variant type: single nucleotide variant.
Coding change: c.710T>C on transcript NM_000533.5 (MANE Select); coding-DNA position 710, T replaced by C.
Protein change: p.Phe237Ser; replaces phenylalanine 237 with serine.
Molecular consequence: missense variant.
Genome position (GRCh38, 1-based): chrX:103,789,346, T>C. VCF-style: chrX-103789346-T-C. GRCh37 (hg19) VCF-style: chrX-103044275-T-C.
Other names: F236S; c.710T>C, p.Phe237Ser (NM_001128834.3); c.545T>C, p.Phe182Ser (NM_001305004.1); c.605T>C, p.Phe202Ser (NM_199478.3); short protein forms F202S, F237S, F182S.
Identifiers: ClinVar variation 11089 (VCV000011089.4), dbSNP rs132630291, ClinGen allele CA255707.

ClinVar aggregate classification (germline): Pathogenic/Likely pathogenic. Review status: criteria provided, multiple submitters, no conflicts (2 of 4 stars). 3 submissions from 3 submitters: Pathogenic (1); Likely pathogenic (1). 1 of the submissions does not count toward it. Last evaluated 2022-01-25.

Conditions:
PLP1-related disorder. Also called: PLP1-Related Disorders; PLP1-related condition. Identifiers: MedGen CN378767.
Hereditary spastic paraplegia 2 (SPG2). Also called: SPASTIC PARAPLEGIA 2, X-LINKED; Spastic Paraplegia 2 (SPG2). Identifiers: Orphanet 99015, MedGen C0751604, MONDO:0010733, OMIM 312920.
Pelizaeus-Merzbacher disease. Also called: Sudanophilic leukodystrophy; Pelizeaus-Merzbacher spectrum disorder; LEUKODYSTROPHY, HYPOMYELINATING, 1; Pelizaeus-Merzbacher spectrum disorder; Pelizaeus-Merzbacher Disease (PMD). Identifiers: Orphanet 702, MedGen C0205711, MONDO:0010714, OMIM 312080, HP:0003269.

Submissions (3):

Molecular Diagnostics Lab, Nemours Children's Health, Delaware
Classification: Likely pathogenic for Pelizaeus-Merzbacher disease. Last evaluated: 2022-01-25. Review status: criteria provided, single submitter. Criteria: ACMG Guidelines, 2015. Collection method: clinical testing. Allele origin: unknown. Inheritance: X-linked inheritance. Affected: yes. Observed: 2 hemizygotes.
Comment: This missense variant (c.710T>C, p.Phe237Ser) has not been observed in population databases (gnomAD). It has been described in the literature in a 5 generation family with numerous affected males (PMID 8956049). Variant prediction programs support a deleterious effect on the protein, although no functional studies have been published.

Blueprint Genetics
Classification: Pathogenic for PLP1-related disorders. Last evaluated: 2020-06-12. Review status: criteria provided, single submitter. Criteria: ACMG Guidelines, 2015. Collection method: clinical testing. Allele origin: germline. Affected: yes. Observed: 1 variant allele.

OMIM
Classification: Pathogenic for SPASTIC PARAPLEGIA 2. Last evaluated: 1996-01-01. Review status: no assertion criteria provided. Collection method: literature only. Allele origin: germline. Not counted in ClinVar's aggregate classification.

Literature cited by the submitters: PubMed 8956049 (cited by Molecular Diagnostics Lab, Nemours Children's Health, Delaware and OMIM); PubMed 25491635 (cited by Molecular Diagnostics Lab, Nemours Children's Health, Delaware); PubMed 29451896 (cited by Molecular Diagnostics Lab, Nemours Children's Health, Delaware).